The following is an entry in ClinVar:

ClinVar aggregate classification (germline): Uncertain significance (1 of 4 stars; one submission).

Conditions:
Immunodeficiency. Identifiers: MedGen C0021051, MONDO:0021094, HP:0002721.

Allele frequency attached by ClinVar (database versions not stated): gnomAD exomes below 0.00001; ExAC 0.00001.
gnomAD v4.1: 2 of 1,575,396 alleles (0.00013%); highest among the groups gnomAD compares: East Asian, 0.0023%; no homozygotes.

Submission:

Labcorp Genetics (formerly Invitae), Labcorp
Classification: Uncertain significance for Immunodeficiency. Last evaluated: 2023-09-23. Review status: criteria provided, single submitter. Criteria: Invitae Variant Classification Sherloc (09022015). Collection method: clinical testing. Allele origin: germline.
Comment: In summary, the available evidence is currently insufficient to determine the role of this variant in disease. Therefore, it has been classified as a Variant of Uncertain Significance. An algorithm developed to predict the effect of missense changes on protein structure and function (PolyPhen-2) suggests that this variant is likely to be disruptive. This variant has not been reported in the literature in individuals affected with NFAT5-related conditions. This variant is present in population databases (rs766270692, gnomAD 0.004%). This sequence change replaces cysteine, which is neutral and slightly polar, with tyrosine, which is neutral and polar, at codon 504 of the NFAT5 protein (p.Cys504Tyr).

NM_138713.4(NFAT5):c.1793G>A (p.Cys598Tyr)

Gene: NFAT5 (nuclear factor of activated T cells 5; plus strand). Cytogenetic location: 16q22.1.
Variant type: single nucleotide variant.
Coding change: c.1793G>A on transcript NM_138713.4 (MANE Select); coding-DNA position 1793, G replaced by A.
Protein change: p.Cys598Tyr; replaces cysteine 598 with tyrosine.
Molecular consequence: missense variant.
Genome position (GRCh38, 1-based): chr16:69,690,958, G>A. VCF-style: chr16-69690958-G-A. GRCh37 (hg19) VCF-style: chr16-69724861-G-A.
Other names: c.1790G>A, p.Cys597Tyr (NM_001113178.3); c.1118G>A, p.Cys373Tyr (NM_001367709.1); c.1739G>A, p.Cys580Tyr (NM_006599.4); c.1511G>A, p.Cys504Tyr (NM_138714.4, NM_173214.3, NM_173215.3); short protein forms C598Y, C373Y, C580Y, C597Y, C504Y.
Identifiers: ClinVar variation 2759718 (VCV002759718.3), dbSNP rs766270692, ClinGen allele CA8135662.